The following is an entry in ClinVar:

ClinVar aggregate classification (germline): Benign/Likely benign. Review status: criteria provided, multiple submitters, no conflicts (2 of 4 stars). 6 submissions from 6 submitters: Benign (1); Likely benign (5). Last evaluated 2024-12-18.

Conditions:
Hereditary cancer-predisposing syndrome. Also called: Hereditary Cancer Syndrome; Tumor predisposition; Hereditary neoplastic syndrome; Neoplastic Syndromes, Hereditary. Identifiers: Orphanet 140162, MedGen C0027672, MeSH D009386, MONDO:0015356.
Familial cancer of breast. Also called: BREAST CANCER, FAMILIAL; Hereditary breast cancer; hereditary breast carcinoma. Identifiers: Orphanet 227535, MedGen C0346153, MONDO:0016419, OMIM 114480. Disease mechanism: loss of function.

Allele frequency attached by ClinVar (database versions not stated): gnomAD exomes below 0.00001.
gnomAD v4.1: 2 of 1,613,774 alleles (0.00012%); highest among the groups gnomAD compares: Non-Finnish European, 0.00017%; no homozygotes.

Submissions (6):

Labcorp Genetics (formerly Invitae), Labcorp
Classification: Likely benign for Familial cancer of breast. Last evaluated: 2024-12-18. Review status: criteria provided, single submitter. Criteria: Invitae Variant Classification Sherloc (09022015). Collection method: clinical testing. Allele origin: germline.

Myriad Genetics, Inc.
Classification: Benign for Familial cancer of breast. Last evaluated: 2024-10-01. Review status: criteria provided, single submitter. Criteria: Myriad Autosomal Dominant, Autosomal Recessive and X-Linked Classification Criteria (2023). Collection method: clinical testing. Allele origin: unknown.
Comment: This variant is considered benign. This variant is a silent/synonymous amino acid change and it is not expected to impact splicing.

Blueprint Genetics
Classification: Likely benign. Last evaluated: 2023-11-21. Review status: criteria provided, single submitter. Criteria: ACMG Guidelines, 2015. Collection method: clinical testing. Allele origin: germline.

Color Diagnostics, LLC DBA Color Health
Classification: Likely benign for Hereditary cancer-predisposing syndrome. Last evaluated: 2018-10-25. Review status: criteria provided, single submitter. Criteria: ACMG Guidelines, 2015. Collection method: clinical testing. Allele origin: germline.

Ambry Genetics
Classification: Likely benign for Hereditary cancer-predisposing syndrome. Last evaluated: 2017-11-13. Review status: criteria provided, single submitter. Criteria: Ambry Variant Classification Scheme 2023. Collection method: clinical testing. Allele origin: germline.

GeneDx
Classification: Likely benign. Last evaluated: 2017-03-10. Review status: criteria provided, single submitter. Criteria: GeneDx Variant Classification (06012015). Collection method: clinical testing. Allele origin: germline. Affected: yes.
Comment: This variant is considered likely benign or benign based on one or more of the following criteria: it is a conservative change, it occurs at a poorly conserved position in the protein, it is predicted to be benign by multiple in silico algorithms, and/or has population frequency not consistent with disease.

NM_007194.4(CHEK2):c.18T>C (p.Asp6=)

Gene: CHEK2 (checkpoint kinase 2; minus strand). Cytogenetic location: 22q12.1.
Variant type: single nucleotide variant.
Coding change: c.18T>C on transcript NM_007194.4 (MANE Select); coding-DNA position 18, T replaced by C.
Protein change: p.Asp6=; no amino-acid change (aspartic acid 6 retained).
Molecular consequence: synonymous variant.
Genome position (GRCh38, 1-based): chr22:28,734,704, A>G on the plus strand (T>C on the coding strand, the complement: CHEK2 is on the minus strand). VCF-style: chr22-28734704-A-G. GRCh37 (hg19) VCF-style: chr22-29130692-A-G.
Other names: c.18T>C, p.Asp6= (NM_001005735.3, NM_001349956.3, NM_145862.3); c.-760T>C (NM_001257387.3).
Identifiers: ClinVar variation 507981 (VCV000507981.13), dbSNP rs1555932937, ClinGen allele CA513946654.